The following is an entry in ClinVar:

NM_004655.4(AXIN2):c.1350T>G (p.Pro450=)

Gene: AXIN2 (axin 2; minus strand). Cytogenetic location: 17q24.1.
Variant type: single nucleotide variant.
Coding change: c.1350T>G on transcript NM_004655.4 (MANE Select); coding-DNA position 1350, T replaced by G.
Protein change: p.Pro450=; no amino-acid change (proline 450 retained).
Molecular consequence: synonymous variant.
Genome position (GRCh38, 1-based): chr17:65,537,686, A>C on the plus strand (T>G on the coding strand, the complement: AXIN2 is on the minus strand). VCF-style: chr17-65537686-A-C. GRCh37 (hg19) VCF-style: chr17-63533804-A-C.
Other names: c.1350T>G (LRG_296t1); c.1350T>G, p.Pro450= (NM_001363813.1).
Identifiers: ClinVar variation 510569 (VCV000510569.13), dbSNP rs1555577970, ClinGen allele CA501691239.

ClinVar aggregate classification (germline): Benign/Likely benign. Review status: criteria provided, multiple submitters, no conflicts (2 of 4 stars). 4 submissions from 4 submitters: Benign (1); Likely benign (3). Last evaluated 2024-07-02.

Conditions:
Oligodontia-cancer predisposition syndrome. Also called: TOOTH AGENESIS-COLORECTAL CANCER SYNDROME. Identifiers: Orphanet 300576, MedGen C1837750, MONDO:0012075, OMIM 608615. Disease mechanism: loss of function.
Hereditary cancer-predisposing syndrome. Also called: Hereditary neoplastic syndrome; Hereditary Cancer Syndrome; Neoplastic Syndromes, Hereditary; Tumor predisposition. Identifiers: Orphanet 140162, MedGen C0027672, MeSH D009386, MONDO:0015356.

Allele frequency attached by ClinVar (database versions not stated): TOPMed below 0.00001.

Submissions (4):

Myriad Genetics, Inc.
Classification: Benign for Oligodontia-cancer predisposition syndrome. Last evaluated: 2024-07-02. Review status: criteria provided, single submitter. Criteria: Myriad Autosomal Dominant, Autosomal Recessive and X-Linked Classification Criteria (2023). Collection method: clinical testing. Allele origin: unknown.
Comment: This variant is considered benign. This variant is a silent/synonymous amino acid change and it is not expected to impact splicing.

Ambry Genetics
Classification: Likely benign for Hereditary cancer-predisposing syndrome. Last evaluated: 2024-05-31. Review status: criteria provided, single submitter. Criteria: Ambry Variant Classification Scheme 2023. Collection method: clinical testing. Allele origin: germline.

Labcorp Genetics (formerly Invitae), Labcorp
Classification: Likely benign for Oligodontia-cancer predisposition syndrome. Last evaluated: 2022-03-07. Review status: criteria provided, single submitter. Criteria: Invitae Variant Classification Sherloc (09022015). Collection method: clinical testing. Allele origin: germline.

GeneDx
Classification: Likely benign. Last evaluated: 2017-07-05. Review status: criteria provided, single submitter. Criteria: GeneDx Variant Classification (06012015). Collection method: clinical testing. Allele origin: germline. Affected: yes.
Comment: This variant is considered likely benign or benign based on one or more of the following criteria: it is a conservative change, it occurs at a poorly conserved position in the protein, it is predicted to be benign by multiple in silico algorithms, and/or has population frequency not consistent with disease.